The following is an entry in ClinVar:

NM_001395253.1(NPY4R2):c.715C>T (p.Arg239Trp)

Genes: ANXA8 (annexin A8; minus strand), NPY4R2 (neuropeptide Y receptor Y4-2; plus strand). Cytogenetic location: 10q11.22.
Variant type: single nucleotide variant.
Coding change: c.715C>T on transcript NM_001395253.1 (MANE Select); coding-DNA position 715, C replaced by T.
Protein change: p.Arg239Trp; replaces arginine 239 with tryptophan.
Molecular consequence: missense variant.
Genome position (GRCh38, 1-based): chr10:47,922,702, C>T. VCF-style: chr10-47922702-C-T. GRCh37 (hg19) VCF-style: chr10-47087498-C-T.
Other names: c.715C>T, p.Arg239Trp (NM_001278795.2); short protein forms R239W.
Identifiers: ClinVar variation 2640433 (VCV002640433.24), dbSNP rs1554989212, ClinGen allele CA5485282.

ClinVar aggregate classification (germline): Likely benign (1 of 4 stars; one submission).

Allele frequency attached by ClinVar (database versions not stated): 1000 Genomes Project 0.00080; ESP Exome Variant Server 0.00238.

Submission:

CeGaT Center for Human Genetics Tuebingen
Classification: Likely benign. Last evaluated: 2023-03-01. Review status: criteria provided, single submitter. Criteria: CeGaT Center For Human Genetics Tuebingen Variant Classification Criteria Version 2. Collection method: clinical testing. Allele origin: germline. Affected: yes. Observed: 1 variant allele.
Comment: NPY4R: BP4, BS2